The following is an entry in ClinVar:

ClinVar aggregate classification (germline): Uncertain significance (1 of 4 stars; one submission).

Conditions:
POLD1-related polyposis and colorectal cancer syndrome (CRCS10). Also called: Colorectal cancer, susceptibility to, 10; Colorectal cancer 10; COLORECTAL CANCER, SUSCEPTIBILITY TO, ON CHROMOSOME 19q. Identifiers: Orphanet 220460, MedGen C2675481, MONDO:0012953, OMIM 612591.

Submission:

Labcorp Genetics (formerly Invitae), Labcorp
Classification: Uncertain significance for POLD1-related polyposis and colorectal cancer syndrome. Last evaluated: 2020-11-13. Review status: criteria provided, single submitter. Criteria: Invitae Variant Classification Sherloc (09022015). Collection method: clinical testing. Allele origin: germline.
Comment: This sequence change replaces phenylalanine with leucine at codon 637 of the POLD1 protein (p.Phe637Leu). The phenylalanine residue is moderately conserved and there is a small physicochemical difference between phenylalanine and leucine. This variant is not present in population databases (ExAC no frequency). This variant has not been reported in the literature in individuals with POLD1-related conditions. Algorithms developed to predict the effect of missense changes on protein structure and function are either unavailable or do not agree on the potential impact of this missense change (SIFT: "Tolerated"; PolyPhen-2: "Possibly Damaging"; Align-GVGD: "Class C0"). In summary, the available evidence is currently insufficient to determine the role of this variant in disease. Therefore, it has been classified as a Variant of Uncertain Significance.

NM_002691.4(POLD1):c.1909T>C (p.Phe637Leu)

Gene: POLD1 (DNA polymerase delta 1, catalytic subunit; plus strand). Cytogenetic location: 19q13.33.
Variant type: single nucleotide variant.
Coding change: c.1909T>C on transcript NM_002691.4 (MANE Select); coding-DNA position 1909, T replaced by C.
Protein change: p.Phe637Leu; replaces phenylalanine 637 with leucine.
Molecular consequence: missense variant. On other transcripts: non-coding transcript variant (1).
Genome position (GRCh38, 1-based): chr19:50,409,138, T>C. VCF-style: chr19-50409138-T-C. GRCh37 (hg19) VCF-style: chr19-50912395-T-C.
Other names: c.1909T>C, p.Phe637Leu (NM_001256849.1); c.1987T>C, p.Phe663Leu (NM_001308632.1); short protein forms F663L, F637L.
Identifiers: ClinVar variation 1346822 (VCV001346822.8), dbSNP rs2122375739, ClinGen allele CA406982221.
Genomic context (GRCh38, chr19:50,409,138, plus strand): 5'-AGCAGGAGGGTGGCCGGCAGTCACCCCAACATCTTCCAACCCAGCCTGACTGAGGATCAG[T>C]TCATCAGGACCCCCACCGGGGACGAGTTTGTGAAGACCTCAGTGCGGAAGGGGCTGCTGC-3'
Protein context (NP_002682.2, residues 627-647): AQKLGLTEDQ[Phe637Leu]IRTPTGDEFV